The following is an entry in ClinVar:

ClinVar aggregate classification (germline): Uncertain significance. Review status: criteria provided, multiple submitters, no conflicts (2 of 4 stars). 2 submissions from 2 submitters: Uncertain significance (2). Last evaluated 2025-04-27.

Conditions:
Hereditary nonpolyposis colorectal neoplasms. Identifiers: MedGen C0009405, MeSH D003123.

gnomAD v4.1: 3 of 1,612,956 alleles (0.00019%); highest among the groups gnomAD compares: South Asian, 0.0011%; no homozygotes.

Submissions (2):

Labcorp Genetics (formerly Invitae), Labcorp
Classification: Uncertain significance for Hereditary nonpolyposis colorectal neoplasms. Last evaluated: 2025-04-27. Review status: criteria provided, single submitter. Criteria: Invitae Variant Classification Sherloc (09022015). Collection method: clinical testing. Allele origin: germline.
Comment: This sequence change replaces histidine, which is basic and polar, with tyrosine, which is neutral and polar, at codon 1317 of the MSH6 protein (p.His1317Tyr). This variant is not present in population databases (gnomAD no frequency). This variant has not been reported in the literature in individuals affected with MSH6-related conditions. ClinVar contains an entry for this variant (Variation ID: 801224). Invitae Evidence Modeling of protein sequence and biophysical properties (such as structural, functional, and spatial information, amino acid conservation, physicochemical variation, residue mobility, and thermodynamic stability) indicates that this missense variant is not expected to disrupt MSH6 protein function with a negative predictive value of 95%. In summary, the available evidence is currently insufficient to determine the role of this variant in disease. Therefore, it has been classified as a Variant of Uncertain Significance.

Quest Diagnostics Nichols Institute San Juan Capistrano
Classification: Uncertain significance. Last evaluated: 2018-10-02. Review status: criteria provided, single submitter. Criteria: Quest Diagnostics criteria. Collection method: clinical testing. Allele origin: germline.

NM_000179.3(MSH6):c.3949C>T (p.His1317Tyr)

Gene: MSH6 (mutS homolog 6; plus strand). Cytogenetic location: 2p16.3.
Variant type: single nucleotide variant.
Coding change: c.3949C>T on transcript NM_000179.3 (MANE Select); coding-DNA position 3949, C replaced by T.
Protein change: p.His1317Tyr; replaces histidine 1317 with tyrosine.
Molecular consequence: missense variant.
Genome position (GRCh38, 1-based): chr2:47,806,599, C>T. VCF-style: chr2-47806599-C-T. GRCh37 (hg19) VCF-style: chr2-48033738-C-T.
Other names: c.3559C>T, p.His1187Tyr (NM_001281492.2); c.3043C>T, p.His1015Tyr (NM_001281493.2, NM_001281494.2); short protein forms H1015Y, H1317Y, H1187Y.
Identifiers: ClinVar variation 801224 (VCV000801224.5), dbSNP rs759092293, ClinGen allele CA346761520.